The following is an entry in ClinVar:

NM_000214.3(JAG1):c.3458A>G (p.Asn1153Ser)

Gene: JAG1 (jagged canonical Notch ligand 1; minus strand). Cytogenetic location: 20p12.2.
Variant type: single nucleotide variant.
Coding change: c.3458A>G on transcript NM_000214.3 (MANE Select); coding-DNA position 3458, A replaced by G.
Protein change: p.Asn1153Ser; replaces asparagine 1153 with serine.
Molecular consequence: missense variant.
Genome position (GRCh38, 1-based): chr20:10,639,697, T>C on the plus strand (A>G on the coding strand, the complement: JAG1 is on the minus strand). VCF-style: chr20-10639697-T-C. GRCh37 (hg19) VCF-style: chr20-10620345-T-C.
Other names: short protein forms N1153S.
Identifiers: ClinVar variation 3684500 (VCV003684500.2).
Genomic context (GRCh38, chr20:10,639,697, plus strand): 5'-TGCTTGGCAAACCGGGCTTTCTGCTGGTGTTTGTCCATGTCGTCCTCTTCTACTTCAGAA[T>C]TGTGTGTCCTTATTTTAGACATTTTGGAGTTCTTGTTCTCATAATCCTTGATGGGGACCG-3'
Protein context (NP_000205.1, residues 1143-1163): NSKMSKIRTH[Asn1153Ser]SEVEEDDMDK

ClinVar aggregate classification (germline): Uncertain significance (1 of 4 stars; one submission).

Conditions:
Alagille syndrome due to a JAG1 point mutation. Also called: JAG1-Related Alagille Syndrome; HEPATIC DUCTULAR HYPOPLASIA, SYNDROMATIC; Alagille Syndrome 1. Identifiers: Orphanet 261619, Orphanet 52, MedGen C1956125, MONDO:0016862, OMIM 118450.

Submission:

Labcorp Genetics (formerly Invitae), Labcorp
Classification: Uncertain significance for Alagille syndrome due to a JAG1 point mutation. Last evaluated: 2024-05-09. Review status: criteria provided, single submitter. Criteria: Invitae Variant Classification Sherloc (09022015). Collection method: clinical testing. Allele origin: germline.
Comment: This sequence change replaces asparagine, which is neutral and polar, with serine, which is neutral and polar, at codon 1153 of the JAG1 protein (p.Asn1153Ser). This variant is not present in population databases (gnomAD no frequency). This variant has not been reported in the literature in individuals affected with JAG1-related conditions. Advanced modeling of protein sequence and biophysical properties (such as structural, functional, and spatial information, amino acid conservation, physicochemical variation, residue mobility, and thermodynamic stability) performed at Invitae indicates that this missense variant is not expected to disrupt JAG1 protein function with a negative predictive value of 95%. In summary, the available evidence is currently insufficient to determine the role of this variant in disease. Therefore, it has been classified as a Variant of Uncertain Significance.